The following is an entry in ClinVar:

ClinVar aggregate classification (germline): Uncertain significance (1 of 4 stars; one submission).

Allele frequency attached by ClinVar (database versions not stated): TOPMed 0.00001; gnomAD 0.00002.
gnomAD v4.1: 20 of 1,613,944 alleles (0.0012%); highest among the groups gnomAD compares: African/African-American, 0.0027%; no homozygotes.

Submission:

Labcorp Genetics (formerly Invitae), Labcorp
Classification: Uncertain significance. Last evaluated: 2022-07-26. Review status: criteria provided, single submitter. Criteria: Invitae Variant Classification Sherloc (09022015). Collection method: clinical testing. Allele origin: germline.
Comment: This variant is present in population databases (no rsID available, gnomAD 0.0008%). In summary, the available evidence is currently insufficient to determine the role of this variant in disease. Therefore, it has been classified as a Variant of Uncertain Significance. Algorithms developed to predict the effect of missense changes on protein structure and function (SIFT, PolyPhen-2, Align-GVGD) all suggest that this variant is likely to be disruptive. This variant has not been reported in the literature in individuals affected with FERMT1-related conditions. This sequence change replaces isoleucine, which is neutral and non-polar, with threonine, which is neutral and polar, at codon 305 of the FERMT1 protein (p.Ile305Thr).

NM_017671.5(FERMT1):c.914T>C (p.Ile305Thr)

Gene: FERMT1 (FERM domain containing kindlin 1; minus strand). Cytogenetic location: 20p12.3.
Variant type: single nucleotide variant.
Coding change: c.914T>C on transcript NM_017671.5 (MANE Select); coding-DNA position 914, T replaced by C.
Protein change: p.Ile305Thr; replaces isoleucine 305 with threonine.
Molecular consequence: missense variant.
Genome position (GRCh38, 1-based): chr20:6,097,567, A>G on the plus strand (T>C on the coding strand, the complement: FERMT1 is on the minus strand). VCF-style: chr20-6097567-A-G. GRCh37 (hg19) VCF-style: chr20-6078214-A-G.
Other names: short protein forms I305T.
Identifiers: ClinVar variation 1921659 (VCV001921659.5), dbSNP rs1173823522, ClinGen allele CA408183249.